The following is an entry in ClinVar:

ClinVar aggregate classification (germline): Uncertain significance (1 of 4 stars; one submission).

Submission:

Ambry Genetics
Classification: Uncertain significance. Last evaluated: 2025-03-04. Review status: criteria provided, single submitter. Criteria: Ambry Variant Classification Scheme 2023. Collection method: clinical testing. Allele origin: germline.
Comment: The p.E522V variant (also known as c.1565A>T), located in coding exon 2 of the CDK12 gene, results from an A to T substitution at nucleotide position 1565. The glutamic acid at codon 522 is replaced by valine, an amino acid with dissimilar properties. This amino acid position is conserved. In addition, this alteration is predicted to be tolerated by in silico analysis. Based on the available evidence, the clinical significance of this variant remains unclear.

NM_016507.4(CDK12):c.1565A>T (p.Glu522Val)

Gene: CDK12 (cyclin dependent kinase 12; plus strand). Cytogenetic location: 17q12.
Variant type: single nucleotide variant.
Coding change: c.1565A>T on transcript NM_016507.4 (MANE Select); coding-DNA position 1565, A replaced by T.
Protein change: p.Glu522Val; replaces glutamic acid 522 with valine.
Molecular consequence: missense variant.
Genome position (GRCh38, 1-based): chr17:39,471,397, A>T. VCF-style: chr17-39471397-A-T. GRCh37 (hg19) VCF-style: chr17-37627650-A-T.
Other names: c.1565A>T, p.Glu522Val (NM_015083.4); short protein forms E522V.
Identifiers: ClinVar variation 3830744 (VCV003830744.1).
Genomic context (GRCh38, chr17:39,471,397, plus strand): 5'-ACTCTAAACCCATAGCACTGAAAGAGGAGATTGTTACTCCAAAGGAGACAGAAACATCAG[A>T]AAAGGAGACCCCTCCACCTCTTCCCACAATTGCTTCTCCCCCACCCCCTCTACCAACTAC-3'
Protein context (NP_057591.2, residues 512-532): IVTPKETETS[Glu522Val]KETPPPLPTI